The following is an entry in ClinVar:

ClinVar aggregate classification (germline): Pathogenic/Likely pathogenic. Review status: criteria provided, multiple submitters, no conflicts (2 of 4 stars). 3 submissions from 3 submitters: Pathogenic (1); Likely pathogenic (1). 1 of the submissions does not count toward it. Last evaluated 2024-06-23.

Conditions:
Ceroid lipofuscinosis, neuronal, 6A. Also called: Neuronal ceroid lipofuscinosis, late infantile, variant; Neuronal ceroid lipofuscinosis, Gypsy/Indian early juvenile variant; Neuronal ceroid lipofuscinosis 6; CLN6-Related Neuronal Ceroid-Lipofuscinosis. Identifiers: Orphanet 168491, Orphanet 228363, MedGen C5551375, MONDO:0011144, OMIM 601780.
Ceroid lipofuscinosis, neuronal, 6B (Kufs type). Also called: Neuronal ceroid lipofuscinosis 4A. Identifiers: Orphanet 700477, MedGen C5561927, MONDO:0008768, OMIM 204300.
Neuronal ceroid lipofuscinosis. Also called: Neuronal Ceroid Lipofuscinoses. Identifiers: Orphanet 216, Orphanet 79263, MedGen C0027877, MONDO:0016295. Disease mechanism: loss of function.

Submissions (3):

Fulgent Genetics
Classification: Likely pathogenic for Ceroid lipofuscinosis, neuronal, 6B (Kufs type); Ceroid lipofuscinosis, neuronal, 6A. Last evaluated: 2024-06-23. Review status: criteria provided, single submitter. Criteria: ACMG Guidelines, 2015. Collection method: clinical testing. Allele origin: germline.

Labcorp Genetics (formerly Invitae), Labcorp
Classification: Pathogenic for Neuronal ceroid lipofuscinosis. Last evaluated: 2023-08-04. Review status: criteria provided, single submitter. Criteria: Invitae Variant Classification Sherloc (09022015). Collection method: clinical testing. Allele origin: germline.
Comment: ClinVar contains an entry for this variant (Variation ID: 557725). For these reasons, this variant has been classified as Pathogenic. This variant has not been reported in the literature in individuals affected with CLN6-related conditions. This sequence change creates a premature translational stop signal (p.Glu167*) in the CLN6 gene. It is expected to result in an absent or disrupted protein product. Loss-of-function variants in CLN6 are known to be pathogenic (PMID: 19135028). This variant is present in population databases (rs762902907, gnomAD 0.007%).

Counsyl
Classification: Likely pathogenic for Ceroid lipofuscinosis, neuronal, 6A. Last evaluated: 2018-04-05. Review status: no assertion criteria provided. Collection method: clinical testing. Allele origin: unknown. Not counted in ClinVar's aggregate classification.

Literature cited by the submitters: PubMed 19135028 (cited by Labcorp Genetics (formerly Invitae), Labcorp).

NM_017882.3(CLN6):c.498dup (p.Glu167Ter)

Gene: CLN6 (CLN6 transmembrane ER protein; minus strand). Cytogenetic location: 15q23.
Variant type: Duplication.
Coding change: c.498dup on transcript NM_017882.3 (MANE Select); coding-DNA position 498, one base duplicated (T; older notation c.498dupT).
Protein change: p.Glu167Ter; replaces glutamic acid 167 with a stop codon.
Molecular consequence: nonsense.
Genome position (GRCh38, 1-based): chr15:68,211,307, A duplicated on the plus strand (T on the coding strand, the reverse complement: CLN6 is on the minus strand); the first of 3 consecutive A bases (chr15:68,211,307-68,211,309); duplicating any one gives the same sequence. VCF-style (leftmost placement, unchanged base first): chr15-68211306-C-CA. GRCh37 (hg19) VCF-style: chr15-68503644-C-CA.
Other names: c.498dupT (NM_017882.2); short protein forms E167*.
Identifiers: ClinVar variation 557725 (VCV000557725.9), dbSNP rs762902907, ClinGen allele CA7630565.